The following is an entry in ClinVar:

NM_001142966.3(GREB1L):c.3728G>T (p.Gly1243Val)

Gene: GREB1L (GREB1 like retinoic acid receptor coactivator; plus strand). Cytogenetic location: 18q11.2.
Variant type: single nucleotide variant.
Coding change: c.3728G>T on transcript NM_001142966.3 (MANE Select); coding-DNA position 3728, G replaced by T.
Protein change: p.Gly1243Val; replaces glycine 1243 with valine.
Molecular consequence: missense variant.
Genome position (GRCh38, 1-based): chr18:21,500,065, G>T. VCF-style: chr18-21500065-G-T. GRCh37 (hg19) VCF-style: chr18-19080026-G-T.
Other names: c.3857G>T, p.Gly1286Val (NM_001410867.1); c.3401G>T, p.Gly1134Val (NM_001410868.1); c.3728G>T (NM_001142966.2, NM_001142966.1); short protein forms G1286V, G1134V, G1243V.
Identifiers: ClinVar variation 3671581 (VCV003671581.4).
Genomic context (GRCh38, chr18:21,500,065, plus strand): 5'-GCCCACAGGCAGCCCTGCCACCAGTGGTGATCCTATCCAAAGCGGCCTACAGTCTCCTGG[G>T]CTCCCAGAAGAGTGGCAAGCTGCCATCCTCCTCCTCCCTGCTGCCCCACGCCGACGTGGC-3'
Protein context (NP_001136438.1, residues 1233-1253): ILSKAAYSLL[Gly1243Val]SQKSGKLPSS

ClinVar aggregate classification (germline): Conflicting classifications of pathogenicity. Review status: criteria provided, conflicting classifications (1 of 4 stars). 3 submissions from 3 submitters: Uncertain significance (1); Likely benign (2). Last evaluated 2026-01-15.

Conditions:
GREB1L-related disorder. Also called: GREB1L-related condition.
Hearing loss, autosomal dominant 80. Also called: DEAFNESS, AUTOSOMAL DOMINANT 80. Identifiers: MedGen C5543289, MONDO:0030998, OMIM 619274.

gnomAD v4.1: 54 of 1,551,516 alleles (0.0035%); highest among the groups gnomAD compares: African/African-American, 0.067%; no homozygotes.

Submissions (3):

Labcorp Genetics (formerly Invitae), Labcorp
Classification: Likely benign. Last evaluated: 2026-01-15. Review status: criteria provided, single submitter. Criteria: Invitae Variant Classification Sherloc (09022015). Collection method: clinical testing. Allele origin: germline.

PreventionGenetics, part of Exact Sciences
Classification: Likely benign for GREB1L-related condition. Last evaluated: 2025-11-10. Review status: criteria provided, single submitter. Criteria: ACMG Guidelines, 2015. Collection method: clinical testing. Allele origin: germline.
Comment: This variant is classified as likely benign based on ACMG/AMP sequence variant interpretation guidelines (Richards et al. 2015 PMID: 25741868, with internal and published modifications).

Wonkam Laboratory, Johns Hopkins University
Classification: Uncertain significance for Hearing loss, autosomal dominant 80. Last evaluated: 2024-01-06. Review status: criteria provided, single submitter. Criteria: ACMG Guidelines, 2015. Collection method: research. Allele origin: germline. Inheritance: Autosomal dominant inheritance. Affected: yes. Observed: 2 variant alleles.
Comment: This variant GREBL1 c.3728G>T (NM_001142966.2) is located in a mutational hot spot and/or critical and well-established functional domain (e.g., active site of an enzyme) without benign variation (PM1), Cosegregation with disease in multiple affected family members in a gene definitively known to cause the disease (PP1), Patient's phenotype or family history is highly specific for a disease with a single genetic etiology (PP4)